The following is an entry in ClinVar:

NM_002474.3(MYH11):c.2666A>C (p.Lys889Thr)

Gene: MYH11 (myosin heavy chain 11; minus strand). Cytogenetic location: 16p13.11.
Variant type: single nucleotide variant.
Coding change: c.2666A>C on transcript NM_002474.3 (MANE Select); coding-DNA position 2666, A replaced by C.
Protein change: p.Lys889Thr; replaces lysine 889 with threonine.
Molecular consequence: missense variant.
Genome position (GRCh38, 1-based): chr16:15,741,656, T>G on the plus strand (A>C on the coding strand, the complement: MYH11 is on the minus strand). VCF-style: chr16-15741656-T-G. GRCh37 (hg19) VCF-style: chr16-15835513-T-G.
Other names: c.2687A>C, p.Lys896Thr (NM_001040113.2, NM_001040114.2); c.2666A>C, p.Lys889Thr (NM_022844.3); short protein forms K889T, K896T.
Identifiers: ClinVar variation 373599 (VCV000373599.3), dbSNP rs1057518502, ClinGen allele CA16042972.

ClinVar aggregate classification (germline): Uncertain significance. Review status: criteria provided, multiple submitters, no conflicts (2 of 4 stars). 2 submissions from 2 submitters: Uncertain significance (2). Last evaluated 2024-06-10.

Conditions:
Aortic aneurysm, familial thoracic 4 (AAT4). Also called: AORTIC ANEURYSM/AORTIC DISSECTION AND PATENT DUCTUS ARTERIOSUS. Identifiers: MedGen C1851504, MONDO:0007568, OMIM 132900.

Submissions (2):

Labcorp Genetics (formerly Invitae), Labcorp
Classification: Uncertain significance for Aortic aneurysm, familial thoracic 4. Last evaluated: 2024-06-10. Review status: criteria provided, single submitter. Criteria: Invitae Variant Classification Sherloc (09022015). Collection method: clinical testing. Allele origin: germline.
Comment: This sequence change replaces lysine, which is basic and polar, with threonine, which is neutral and polar, at codon 896 of the MYH11 protein (p.Lys896Thr). This variant is not present in population databases (gnomAD no frequency). This variant has not been reported in the literature in individuals affected with MYH11-related conditions. ClinVar contains an entry for this variant (Variation ID: 373599). Advanced modeling of protein sequence and biophysical properties (such as structural, functional, and spatial information, amino acid conservation, physicochemical variation, residue mobility, and thermodynamic stability) performed at Invitae indicates that this missense variant is not expected to disrupt MYH11 protein function with a negative predictive value of 95%. In summary, the available evidence is currently insufficient to determine the role of this variant in disease. Therefore, it has been classified as a Variant of Uncertain Significance.

GeneDx
Classification: Uncertain significance. Last evaluated: 2016-11-29. Review status: criteria provided, single submitter. Criteria: GeneDx Variant Classification (06012015). Collection method: clinical testing. Allele origin: germline. Affected: yes.
Comment: A variant of uncertain significance has been identified in the MYH11 gene. The K889T variant has not been published as a pathogenic variant or been reported as a benign variant to our knowledge. This variant was not observed in the Exome Aggregation Consortium or in approximately 6,500 individuals of European and African American ancestry in the NHLBI Exome Sequencing Project, indicating it is not a common benign variant in these populations. In silico analysis predicts the K889T variant is probably damaging to the protein structure/function. This variant is a semi-conservative amino acid substitution, which may impact secondary protein structure as these residues differ in some properties. Nevertheless, this substitution occurs at a position where amino acids with similar properties to Lysine are tolerated across species.Therefore, based on the currently available information, it is unclear whether this variant is pathogenic or benign. This result cannot be interpreted for diagnosis or used for family member screening at this time.